The following is an entry in ClinVar:

ClinVar aggregate classification (germline): Uncertain significance (1 of 4 stars; one submission).

Conditions:
Spinocerebellar ataxia 48. Identifiers: Orphanet 631103, MedGen C4748158, MONDO:0032526, OMIM 618093.

Submission:

3billion
Classification: Uncertain significance for Spinocerebellar ataxia 48. Last evaluated: 2024-12-06. Review status: criteria provided, single submitter. Criteria: ACMG Guidelines, 2015. Collection method: clinical testing. Allele origin: germline. Affected: yes.
Comment: The variant is not observed in the gnomAD v4.1.0 dataset. Predicted Consequence/Location: Intron variant In silico tools predict the variant to alter splicing and produce an abnormal transcript [SpliceAI: 0.30 (>=0.2, moderate evidence for spliceogenicity)]. Therefore, this variant is classified as VUS according to the recommendation of ACMG/AMP guideline.

NM_005861.4(STUB1):c.613-12_613-8del

Genes: JMJD8 (jumonji domain containing 8; minus strand), STUB1 (STIP1 homology and U-box containing protein 1; plus strand). Cytogenetic location: 16p13.3.
Variant type: Deletion.
Coding change: c.613-12_613-8del on transcript NM_005861.4 (MANE Select); 12 bases into the intron before coding-DNA position 613 through 8 bases into the intron before coding-DNA position 613, 5 bases deleted (AACTC; older notation c.613-12_613-8delAACTC).
Molecular consequence: intron variant. On other transcripts: 3 prime UTR variant (5), non-coding transcript variant (3).
Genome position (GRCh38, 1-based): chr16:682,008-682,012, AACTC deleted; deleting any 5 consecutive bases within chr16:682,004-682,012 gives the same sequence; the c. name uses the placement nearest the transcript's 3' end. VCF-style (leftmost placement, unchanged base first): chr16-682003-CACTCA-C. GRCh37 (hg19) VCF-style: chr16-732003-CACTCA-C.
Other names: c.*786_*790del (NM_001005920.4, NM_001323919.3, NM_001323920.3); c.*820_*824del (NM_001323918.3, NM_001323922.3); c.397-12_397-8del (NM_001293197.2).
Identifiers: ClinVar variation 4293177 (VCV004293177.1).